The following is an entry in ClinVar:

NM_182760.4(SUMF1):c.168G>C (p.Gln56His)

Genes: SUMF1 (sulfatase modifying factor 1; minus strand), LOC129936056 (ATAC-STARR-seq lymphoblastoid silent region 14016; plus strand). Cytogenetic location: 3p26.1.
Variant type: single nucleotide variant.
Coding change: c.168G>C on transcript NM_182760.4 (MANE Select); coding-DNA position 168, G replaced by C.
Protein change: p.Gln56His; replaces glutamine 56 with histidine.
Molecular consequence: missense variant.
Genome position (GRCh38, 1-based): chr3:4,467,078, C>G on the plus strand (G>C on the coding strand, the complement: SUMF1 is on the minus strand). VCF-style: chr3-4467078-C-G. GRCh37 (hg19) VCF-style: chr3-4508762-C-G.
Other names: c.168G>C, p.Gln56His (NM_001164674.2, NM_001164675.2); short protein forms Q56H.
Identifiers: ClinVar variation 1708401 (VCV001708401.2), dbSNP rs1575266526, ClinGen allele CA351794273.
Genomic context (GRCh38, chr3:4,467,078, plus strand): 5'-AGCGTTAGCCTCCCGCGAGTATCGGTGAGCGGCTGCCGAACTGCCATGGGCGCCAGGCCG[C>G]TGGGGCGTGCCGCAGCCGCAAGAACCCGCAAGGGACCCCGCGCCCGCACCGGTCCCGGCC-3'
Protein context (NP_877437.2, residues 46-66): LAGSCGCGTP[Gln56His]RPGAHGSSAA

ClinVar aggregate classification (germline): Uncertain significance (1 of 4 stars; one submission).

Submission:

Centre of Medical Genetics, University Hospital Muenster
Classification: Uncertain significance. Last evaluated: 2022-09-26. Review status: criteria provided, single submitter. Criteria: ACMG Guidelines, 2015. Collection method: clinical testing. Allele origin: unknown. Affected: yes. Observed: 1 variant allele, 1 homozygote.
Comment: ACMG categories: PM2,PP3,BP1